The following is an entry in ClinVar:

NM_000169.3(GLA):c.1139_1149del (p.Pro380fs)

Genes: GLA (galactosidase alpha; minus strand), RPL36A-HNRNPH2 (RPL36A-HNRNPH2 readthrough; plus strand). Cytogenetic location: Xq22.1.
Variant type: Deletion.
Coding change: c.1139_1149del on transcript NM_000169.3 (MANE Select); coding-DNA positions 1139 to 1149, 11 bases deleted (CTGCCTGCTTC).
Protein change: p.Pro380fs; shifts the reading frame from proline 380.
Molecular consequence: frameshift variant. On other transcripts: non-coding transcript variant (3), intron variant (2).
Genome position (GRCh38, 1-based): chrX:101,397,950-101,397,960, GAAGCAGGCAG deleted on the plus strand (CTGCCTGCTTC on the coding strand, the reverse complement: GLA is on the minus strand); deleting any 11 consecutive bases within chrX:101,397,950-101,397,962 gives the same sequence; the c. name uses the placement nearest the transcript's 3' end. VCF-style (leftmost placement, unchanged base first): chrX-101397949-TGAAGCAGGCAG-T. GRCh37 (hg19) VCF-style: chrX-100652937-TGAAGCAGGCAG-T.
Other names: c.1262_1272del, p.Pro421fs (NM_001406747.1); c.300+2495_300+2505del (NM_001199973.2); c.177+6130_177+6140del (NM_001199974.2); short protein forms P380fs, P421fs.
Identifiers: ClinVar variation 4087066 (VCV004087066.2).

ClinVar aggregate classification (germline): Pathogenic (1 of 4 stars; one submission).

Conditions:
Fabry disease. Also called: ALPHA-GALACTOSIDASE A DEFICIENCY; ANDERSON-FABRY DISEASE; CERAMIDE TRIHEXOSIDASE DEFICIENCY; GLA DEFICIENCY; HEREDITARY DYSTOPIC LIPIDOSIS; Angiokeratoma corporis diffusum. Identifiers: Orphanet 324, MedGen C0002986, MONDO:0010526, OMIM 301500, HP:0001071. Disease mechanism: Fabry disease is due to inactivating mutations in the X-linked GLA gene resulting in deficiency of the enzyme Alpha Galactosidase-A., loss of function.

Submission:

Genomenon, Inc
Classification: Pathogenic for Fabry disease. Last evaluated: 2026-09-08. Review status: criteria provided, single submitter. Criteria: Genomenon Sequence Variant Interpretation Standards - Updated. Collection method: curation. Allele origin: germline. Affected: yes.
Comment: GLA p.Pro380HisfsTer15 (c.1139_1149del) is a frameshift variant that is predicted to introduce a premature termination codon and result in a truncated or absent protein product. This variant has been observed in at least one proband with clinical features consistent with Fabry disease (PMID:38002959). It is absent or not present at a significant frequency in gnomAD. In conclusion, we classify GLA p.Pro380HisfsTer15 (c.1139_1149del) as a pathogenic variant.

Literature cited by the submitters: PubMed 38002959.